The following is an entry in ClinVar:

ClinVar aggregate classification (germline): Likely benign. Review status: criteria provided, multiple submitters, no conflicts (2 of 4 stars). 3 submissions from 3 submitters: Likely benign (3). Last evaluated 2024-10-21.

Conditions:
Epileptic encephalopathy. Identifiers: MedGen C0543888, HP:0200134.

Allele frequency attached by ClinVar (database versions not stated): gnomAD 0.00001; gnomAD exomes 0.00001; TOPMed 0.00001; ExAC 0.00002; ESP Exome Variant Server 0.00008.
gnomAD v4.1: 9 of 1,484,900 alleles (0.00061%); highest among the groups gnomAD compares: Non-Finnish European, 0.00071%; no homozygotes.

Submissions (3):

Blueprint Genetics
Classification: Likely benign. Last evaluated: 2024-10-21. Review status: criteria provided, single submitter. Criteria: ACMG Guidelines, 2015. Collection method: clinical testing. Allele origin: germline.

CeGaT Center for Human Genetics Tuebingen
Classification: Likely benign. Last evaluated: 2024-04-01. Review status: criteria provided, single submitter. Criteria: CeGaT Center For Human Genetics Tuebingen Variant Classification Criteria Version 2. Collection method: clinical testing. Allele origin: germline. Affected: yes. Observed: 1 variant allele.
Comment: GABBR2: BP4, BP7

Labcorp Genetics (formerly Invitae), Labcorp
Classification: Likely benign for Epileptic encephalopathy. Last evaluated: 2023-07-07. Review status: criteria provided, single submitter. Criteria: Invitae Variant Classification Sherloc (09022015). Collection method: clinical testing. Allele origin: germline.

NM_005458.8(GABBR2):c.2670T>C (p.Arg890=)

Gene: GABBR2 (gamma-aminobutyric acid type B receptor subunit 2; minus strand). Cytogenetic location: 9q22.33.
Variant type: single nucleotide variant.
Coding change: c.2670T>C on transcript NM_005458.8 (MANE Select); coding-DNA position 2670, T replaced by C.
Protein change: p.Arg890=; no amino-acid change (arginine 890 retained).
Molecular consequence: synonymous variant.
Genome position (GRCh38, 1-based): chr9:98,290,740, A>G on the plus strand (T>C on the coding strand, the complement: GABBR2 is on the minus strand). VCF-style: chr9-98290740-A-G. GRCh37 (hg19) VCF-style: chr9-101053022-A-G.
Identifiers: ClinVar variation 1103977 (VCV001103977.30), dbSNP rs138830482, ClinGen allele CA5152385.